The following is an entry in ClinVar:

NM_021098.3(CACNA1H):c.1093G>T (p.Gly365Cys)

Gene: CACNA1H (calcium voltage-gated channel subunit alpha1 H; plus strand). Cytogenetic location: 16p13.3.
Variant type: single nucleotide variant.
Coding change: c.1093G>T on transcript NM_021098.3 (MANE Select); coding-DNA position 1093, G replaced by T.
Protein change: p.Gly365Cys; replaces glycine 365 with cysteine.
Molecular consequence: missense variant.
Genome position (GRCh38, 1-based): chr16:1,200,545, G>T. VCF-style: chr16-1200545-G-T. GRCh37 (hg19) VCF-style: chr16-1250545-G-T.
Other names: c.1093G>T, p.Gly365Cys (NM_001005407.2); short protein forms G365C.
Identifiers: ClinVar variation 1321027 (VCV001321027.7), dbSNP rs757422637, ClinGen allele CA394158027.

ClinVar aggregate classification (germline): Uncertain significance. Review status: criteria provided, multiple submitters, no conflicts (2 of 4 stars). 3 submissions from 3 submitters: Uncertain significance (3). Last evaluated 2025-05-20.

Conditions:
Inborn genetic diseases. Identifiers: MedGen C0950123, MeSH D030342.
Idiopathic generalized epilepsy. Also called: Generalised epilepsy; EIG. Identifiers: MedGen C0270850, MONDO:0005579, OMIM 600669.
Hyperaldosteronism, familial, type IV (HALD4). Also called: FH IV; ALDOSTERONISM, PRIMARY, AND HYPERTENSION. Identifiers: Orphanet 642671, MedGen C4310756, MONDO:0014875, OMIM 617027.

Allele frequency attached by ClinVar (database versions not stated): gnomAD 0.00001; TOPMed 0.00001.
gnomAD v4.1: 5 of 1,612,068 alleles (0.00031%); highest among the groups gnomAD compares: Admixed American, 0.0017%; no homozygotes.

Submissions (3):

Ambry Genetics
Classification: Uncertain significance for Inborn genetic diseases. Last evaluated: 2025-05-20. Review status: criteria provided, single submitter. Criteria: Ambry Variant Classification Scheme 2023. Collection method: clinical testing. Allele origin: germline.

Labcorp Genetics (formerly Invitae), Labcorp
Classification: Uncertain significance for Idiopathic generalized epilepsy; Hyperaldosteronism, familial, type IV. Last evaluated: 2024-02-13. Review status: criteria provided, single submitter. Criteria: Invitae Variant Classification Sherloc (09022015). Collection method: clinical testing. Allele origin: germline.
Comment: This sequence change replaces glycine, which is neutral and non-polar, with cysteine, which is neutral and slightly polar, at codon 365 of the CACNA1H protein (p.Gly365Cys). This variant is not present in population databases (gnomAD no frequency). This variant has not been reported in the literature in individuals affected with CACNA1H-related conditions. ClinVar contains an entry for this variant (Variation ID: 1321027). Advanced modeling of protein sequence and biophysical properties (such as structural, functional, and spatial information, amino acid conservation, physicochemical variation, residue mobility, and thermodynamic stability) performed at Invitae indicates that this missense variant is not expected to disrupt CACNA1H protein function with a negative predictive value of 80%. In summary, the available evidence is currently insufficient to determine the role of this variant in disease. Therefore, it has been classified as a Variant of Uncertain Significance.

GeneDx
Classification: Uncertain significance. Last evaluated: 2020-01-17. Review status: criteria provided, single submitter. Criteria: GeneDx Variant Classification Process June 2021. Collection method: clinical testing. Allele origin: germline. Affected: yes.
Comment: In silico analysis, which includes protein predictors and evolutionary conservation, supports a deleterious effect; Has not been previously published as pathogenic or benign to our knowledge